The following is an entry in ClinVar:

ClinVar aggregate classification (germline): Uncertain significance (1 of 4 stars; one submission).

Conditions:
Optic atrophy 3 (OPA3). Also called: OPTIC ATROPHY 3, AUTOSOMAL DOMINANT; Optic atrophy, cataract, and neurologic disorder; Optic atrophy 3 with cataract. Identifiers: Orphanet 67036, MedGen C1833809, MONDO:0008133, OMIM 165300.
3-Methylglutaconic aciduria type 3 (MGCA3). Also called: OPA3, AUTOSOMAL RECESSIVE; OPTIC ATROPHY 3, AUTOSOMAL RECESSIVE; OPA3-Related 3-Methylglutaconic Aciduria; Costeff Syndrome. Identifiers: Orphanet 67047, MedGen C0574084, MONDO:0009787, OMIM 258501.

Allele frequency attached by ClinVar (database versions not stated): gnomAD exomes below 0.00001; TOPMed 0.00002.
gnomAD v4.1: 2 of 1,614,198 alleles (0.00012%); highest among the groups gnomAD compares: Non-Finnish European, 0.00017%; no homozygotes.

Submission:

Labcorp Genetics (formerly Invitae), Labcorp
Classification: Uncertain significance for 3-Methylglutaconic aciduria type 3; Optic atrophy 3. Last evaluated: 2022-02-14. Review status: criteria provided, single submitter. Criteria: Invitae Variant Classification Sherloc (09022015). Collection method: clinical testing. Allele origin: germline.
Comment: This sequence change replaces alanine, which is neutral and non-polar, with valine, which is neutral and non-polar, at codon 30 of the OPA3 protein (p.Ala30Val). This variant is not present in population databases (gnomAD no frequency). This variant has not been reported in the literature in individuals affected with OPA3-related conditions. Algorithms developed to predict the effect of missense changes on protein structure and function are either unavailable or do not agree on the potential impact of this missense change (SIFT: "Tolerated"; PolyPhen-2: "Possibly Damaging"; Align-GVGD: "Class C0"). In summary, the available evidence is currently insufficient to determine the role of this variant in disease. Therefore, it has been classified as a Variant of Uncertain Significance.

NM_025136.4(OPA3):c.89C>T (p.Ala30Val)

Genes: OPA3 (outer mitochondrial membrane lipid metabolism regulator OPA3; minus strand), OPA3-RTN2 (OPA3-RTN2 readthrough; minus strand). Cytogenetic location: 19q13.32.
Variant type: single nucleotide variant.
Coding change: c.89C>T on transcript NM_025136.4 (MANE Select); coding-DNA position 89, C replaced by T.
Protein change: p.Ala30Val; replaces alanine 30 with valine.
Molecular consequence: missense variant.
Genome position (GRCh38, 1-based): chr19:45,584,676, G>A on the plus strand (C>T on the coding strand, the complement: OPA3 is on the minus strand). VCF-style: chr19-45584676-G-A. GRCh37 (hg19) VCF-style: chr19-46087934-G-A.
Other names: c.89C>T, p.Ala30Val (NM_001017989.3); short protein forms A30V.
Identifiers: ClinVar variation 2097531 (VCV002097531.1), dbSNP rs913275853, ClinGen allele CA308979247.